The following is an entry in ClinVar:

ClinVar aggregate classification (germline): Uncertain significance (1 of 4 stars; one submission).

Conditions:
Nephronophthisis 14 (NPHP14). Identifiers: Orphanet 2318, MedGen C3539071, MONDO:0013916, OMIM 614844.

Submission:

Labcorp Genetics (formerly Invitae), Labcorp
Classification: Uncertain significance for Nephronophthisis 14. Last evaluated: 2019-12-31. Review status: criteria provided, single submitter. Criteria: Invitae Variant Classification Sherloc (09022015). Collection method: clinical testing. Allele origin: germline.
Comment: In summary, the available evidence is currently insufficient to determine the role of this variant in disease. Therefore, it has been classified as a Variant of Uncertain Significance. Algorithms developed to predict the effect of missense changes on protein structure and function are either unavailable or do not agree on the potential impact of this missense change (SIFT: "Deleterious"; PolyPhen-2: "Benign"; Align-GVGD: "Class C0"). This variant has not been reported in the literature in individuals with ZNF423-related conditions. This variant is not present in population databases (ExAC no frequency). This sequence change replaces glutamine with histidine at codon 998 of the ZNF423 protein (p.Gln998His). The glutamine residue is highly conserved and there is a small physicochemical difference between glutamine and histidine.

NM_001379286.1(ZNF423):c.3018G>C (p.Gln1006His)

Gene: ZNF423 (zinc finger protein 423; minus strand). Cytogenetic location: 16q12.1.
Variant type: single nucleotide variant.
Coding change: c.3018G>C on transcript NM_001379286.1 (MANE Select); coding-DNA position 3018, G replaced by C.
Protein change: p.Gln1006His; replaces glutamine 1006 with histidine.
Molecular consequence: missense variant.
Genome position (GRCh38, 1-based): chr16:49,636,158, C>G on the plus strand (G>C on the coding strand, the complement: ZNF423 is on the minus strand). VCF-style: chr16-49636158-C-G. GRCh37 (hg19) VCF-style: chr16-49670069-C-G.
Other names: c.2814G>C, p.Gln938His (NM_001271620.2); c.2643G>C, p.Gln881His (NM_001330533.2); c.2994G>C, p.Gln998His (NM_015069.5); short protein forms Q938H, Q881H, Q998H, Q1006H.
Identifiers: ClinVar variation 860511 (VCV000860511.10), dbSNP rs1972692383, ClinGen allele CA395840879.